The following is an entry in ClinVar:

ClinVar aggregate classification (germline): Uncertain significance (1 of 4 stars; one submission).

Conditions:
Neurodevelopmental disorder with hypotonia and variable intellectual and behavioral abnormalities. Identifiers: MedGen C5231423, MONDO:0032829, OMIM 618603.

Submission:

3billion
Classification: Uncertain significance for Neurodevelopmental disorder with hypotonia and variable intellectual and behavioral abnormalities. Last evaluated: 2024-11-07. Review status: criteria provided, single submitter. Criteria: ACMG Guidelines, 2015. Collection method: clinical testing. Allele origin: germline. Affected: yes.
Comment: The variant is not observed in the gnomAD v4.1.0 dataset. Predicted Consequence/Location: Missense variant. Missense changes are a common disease-causing mechanism. Damaging effect on gene or gene product predicted by in silico programs is uncertain [3Cnet: 0.10 (damaging >=0.6, benign <0.15)]. Therefore, this variant is classified as VUS according to the recommendation of ACMG/AMP guideline.

NM_000937.5(POLR2A):c.3296C>T (p.Ala1099Val)

Gene: POLR2A (RNA polymerase II subunit A; plus strand). Cytogenetic location: 17p13.1.
Variant type: single nucleotide variant.
Coding change: c.3296C>T on transcript NM_000937.5 (MANE Select); coding-DNA position 3296, C replaced by T.
Protein change: p.Ala1099Val; replaces alanine 1099 with valine.
Molecular consequence: missense variant.
Genome position (GRCh38, 1-based): chr17:7,508,306, C>T. VCF-style: chr17-7508306-C-T. GRCh37 (hg19) VCF-style: chr17-7411625-C-T.
Other names: short protein forms A1099V.
Identifiers: ClinVar variation 4293175 (VCV004293175.1).